The following is an entry in ClinVar:

ClinVar aggregate classification (germline): Likely benign (1 of 4 stars; one submission).

Conditions:
Immunodeficiency 60. Also called: IMMUNODEFICIENCY 60 AND AUTOIMMUNITY; IMMUNODEFICIENCY AND AUTOIMMUNITY, BACH2-RELATED. Identifiers: MedGen C5193072, MONDO:0032723, OMIM 618394.

Submission:

Centre for Medical Genetics,  Mumbai
Classification: Likely benign for Immunodeficiency 60. Last evaluated: 2026-03-09. Review status: criteria provided, single submitter. Criteria: ACMG Guidelines, 2015. Collection method: provider interpretation. Allele origin: germline. Inheritance: Autosomal dominant inheritance. Affected: no. Observed: 1 variant allele, 1 heterozygote.
Comment: The variant satisfies PM2 criteria; Extremely low frequency in gnomAD population databases. However, the variant satisfies BS2 criteria; present in heterozygous state in an individual that clinically does not have Immunodeficiency 60 and autoimmunity.

Literature cited by the submitters: PubMed 28530713.

NM_021813.4(BACH2):c.765C>G (p.Ser255Arg)

Gene: BACH2 (BACH transcriptional regulator 2; minus strand). Cytogenetic location: 6q15.
Variant type: single nucleotide variant.
Coding change: c.765C>G on transcript NM_021813.4 (MANE Select); coding-DNA position 765, C replaced by G.
Protein change: p.Ser255Arg; replaces serine 255 with arginine.
Molecular consequence: missense variant.
Genome position (GRCh38, 1-based): chr6:89,951,341, G>C on the plus strand (C>G on the coding strand, the complement: BACH2 is on the minus strand). VCF-style: chr6-89951341-G-C. GRCh37 (hg19) VCF-style: chr6-90661060-G-C.
Other names: c.765C>G, p.Ser255Arg (NM_001170794.2); short protein forms S255R.
Identifiers: ClinVar variation 4819413 (VCV004819413.1).
Genomic context (GRCh38, chr6:89,951,341, plus strand): 5'-AATCTGCCCCCTGGCAAGCCCCGGCTTGAGGCTGTTGCTAGAGTTATCTTCCCGGAATGT[G>C]CTTGCAAAACCTGAGGTACTGTGTGATGATGCATTATAGACATTCTTGGTACATGCAAGC-3'
Protein context (NP_068585.1, residues 245-265): ASSHSTSGFA[Ser255Arg]TFREDNSSNS